The following is an entry in ClinVar:

NM_000142.5(FGFR3):c.1645+16_1645+24del

Gene: FGFR3 (fibroblast growth factor receptor 3; plus strand). Cytogenetic location: 4p16.3.
Variant type: Deletion.
Coding change: c.1645+16_1645+24del on transcript NM_000142.5 (MANE Select); bases 16 to 24 of the intron after coding-DNA position 1645, 9 bases deleted (GCGGTGGTG; older notation c.1645+16_1645+24delGCGGTGGTG).
Molecular consequence: intron variant.
Genome position (GRCh38, 1-based): chr4:1,805,685-1,805,693, GCGGTGGTG deleted; deleting any 9 consecutive bases within chr4:1,805,684-1,805,693 gives the same sequence; the c. name uses the placement nearest the transcript's 3' end. VCF-style (leftmost placement, unchanged base first): chr4-1805683-CGGCGGTGGT-C. GRCh37 (hg19) VCF-style: chr4-1807410-CGGCGGTGGT-C.
Other names: c.1645+16_1645+24delGCGGTGGTG (NM_000142.5); c.1651+16_1651+24del (NM_001163213.2); c.1648+16_1648+24del (NM_001354809.2, NM_001354810.2); c.1309+16_1309+24del (NM_022965.4).
Identifiers: ClinVar variation 1680096 (VCV001680096.10), dbSNP rs766178547, ClinGen allele CA2810499.
Genomic context (GRCh38, chr4:1,805,683, plus strand): 5'-GAAACACAAAAACATCATCAACCTGCTGGGCGCCTGCACGCAGGGCGGTAGGTGCGGTAG[CGGCGGTGGT>C]GCCGGCTGGGCGGCCCTCCTGGGCCTGGCAGCCCGTCTGAGGAGCCCGTGTCCCCAGGGC-3'

ClinVar aggregate classification (germline): Likely benign. Review status: criteria provided, multiple submitters, no conflicts (2 of 4 stars). 3 submissions from 3 submitters: Likely benign (3). Last evaluated 2025-12-14.

Submissions (3):

Labcorp Genetics (formerly Invitae), Labcorp
Classification: Likely benign. Last evaluated: 2025-12-14. Review status: criteria provided, single submitter. Criteria: Invitae Variant Classification Sherloc (09022015). Collection method: clinical testing. Allele origin: germline.

Women's Health and Genetics/Laboratory Corporation of America, LabCorp
Classification: Likely benign. Last evaluated: 2025-12-11. Review status: criteria provided, single submitter. Criteria: LabCorp Variant Classification Summary - May 2015. Collection method: clinical testing. Allele origin: germline.
Comment: Variant summary: FGFR3 c.1645+16_1645+24delGCGGTGGTG is located at a position not widely known to affect splicing. Consensus agreement among computation tools predicts no significant impact on normal splicing. However, these predictions have yet to be confirmed by functional studies. The variant allele was found at a frequency of 0.00016 in 248124 control chromosomes. The occurrence in several controls suggests that this variant is likely not associated with a high penetrance, severe, early onset disease phenotype in heterozygous state. To our knowledge, no occurrence of c.1645+16_1645+24delGCGGTGGTG in individuals affected with FGFR3-related conditions and no experimental evidence demonstrating its impact on protein function have been reported. ClinVar contains an entry for this variant (Variation ID: 1680096). Based on the evidence outlined above, the variant was classified as likely benign.

Blueprint Genetics
Classification: Likely benign. Last evaluated: 2024-10-29. Review status: criteria provided, single submitter. Criteria: ACMG Guidelines, 2015. Collection method: clinical testing. Allele origin: germline.